The following is an entry in ClinVar:

NM_000059.4(BRCA2):c.3013T>G (p.Phe1005Val)

Gene: BRCA2 (BRCA2 DNA repair associated; plus strand). Cytogenetic location: 13q13.1.
Variant type: single nucleotide variant.
Coding change: c.3013T>G on transcript NM_000059.4 (MANE Select); coding-DNA position 3013, T replaced by G.
Protein change: p.Phe1005Val; replaces phenylalanine 1005 with valine.
Molecular consequence: missense variant. On other transcripts: non-coding transcript variant (1), intron variant (2).
Genome position (GRCh38, 1-based): chr13:32,337,368, T>G. VCF-style: chr13-32337368-T-G. GRCh37 (hg19) VCF-style: chr13-32911505-T-G.
Other names: c.3013T>G, p.Phe1005Val (NM_001406719.1, NM_001406720.1, NM_001432077.1); c.1909+3981T>G (NM_001406721.1); c.424+6338T>G (NM_001406722.1); short protein forms F1005V.
Identifiers: ClinVar variation 4757836 (VCV004757836.1).

ClinVar aggregate classification (germline): Uncertain significance (1 of 4 stars; one submission).

Conditions:
Hereditary cancer-predisposing syndrome. Also called: Tumor predisposition; Hereditary Cancer Syndrome; Neoplastic Syndromes, Hereditary; Hereditary neoplastic syndrome. Identifiers: Orphanet 140162, MedGen C0027672, MeSH D009386, MONDO:0015356.

Submission:

Color Diagnostics, LLC DBA Color Health
Classification: Uncertain significance for Hereditary cancer-predisposing syndrome. Last evaluated: 2025-08-19. Review status: criteria provided, single submitter. Criteria: ACMG Guidelines, 2015. Collection method: clinical testing. Allele origin: germline.
Comment: This missense variant replaces phenylalanine with valine at codon 1005 of the BRCA2 protein. Computational prediction suggests that this variant may not impact protein structure and function. To our knowledge, functional studies have not been reported for this variant. This variant has not been reported in individuals affected with BRCA2-related disorders in the literature. This variant has not been identified in the general population by the Genome Aggregation Database (gnomAD). The available evidence is insufficient to determine the role of this variant in disease conclusively. Therefore, this variant is classified as a Variant of Uncertain Significance.